The following is an entry in ClinVar:

NM_006734.4(HIVEP2):c.3050C>G (p.Ser1017Cys)

Gene: HIVEP2 (HIVEP zinc finger 2; minus strand). Cytogenetic location: 6q24.2.
Variant type: single nucleotide variant.
Coding change: c.3050C>G on transcript NM_006734.4 (MANE Select); coding-DNA position 3050, C replaced by G.
Protein change: p.Ser1017Cys; replaces serine 1017 with cysteine.
Molecular consequence: missense variant.
Genome position (GRCh38, 1-based): chr6:142,771,689, G>C on the plus strand (C>G on the coding strand, the complement: HIVEP2 is on the minus strand). VCF-style: chr6-142771689-G-C. GRCh37 (hg19) VCF-style: chr6-143092826-G-C.
Other names: c.3050C>G (NM_006734.3); short protein forms S1017C.
Identifiers: ClinVar variation 1299589 (VCV001299589.5), dbSNP rs1334253551, ClinGen allele CA365907504.
Genomic context (GRCh38, chr6:142,771,689, plus strand): 5'-CAAGGCATCTGCTCTGATGAGCAGCGTCGCATCTCTTTCTGGTGGTGATGGCCTGGGACA[G>C]ACAATGAGTATGAACCAGCAGGGACAGTCAGAAACTCTGAATGCTTCCCAAACTCATCCT-3'
Protein context (NP_006725.3, residues 1007-1027): LTVPAGSYSL[Ser1017Cys]VPGHHHQKEM

ClinVar aggregate classification (germline): Uncertain significance. Review status: criteria provided, multiple submitters, no conflicts (2 of 4 stars). 3 submissions from 3 submitters: Uncertain significance (3). Last evaluated 2026-01-08.

Conditions:
Intellectual developmental disorder, autosomal dominant 43. Also called: Intellectual disability, autosomal dominant 43. Identifiers: MedGen C4707429, MONDO:0014858, OMIM 616977.

Allele frequency attached by ClinVar (database versions not stated): gnomAD exomes below 0.00001.
gnomAD v4.1: 4 of 1,614,180 alleles (0.00025%); highest among the groups gnomAD compares: South Asian, 0.0044%; no homozygotes.

Submissions (3):

Women's Health and Genetics/Laboratory Corporation of America, LabCorp
Classification: Uncertain significance. Last evaluated: 2026-01-08. Review status: criteria provided, single submitter. Criteria: LabCorp Variant Classification Summary - May 2015. Collection method: clinical testing. Allele origin: germline.
Comment: Variant summary: HIVEP2 c.3050C>G (p.Ser1017Cys) results in a non-conservative amino acid change in the encoded protein sequence. Algorithms developed to predict the effect of missense changes on protein structure and function are either unavailable or do not agree on the potential impact of this missense change. The variant allele was found at a frequency of 4e-06 in 249560 control chromosomes. The available data on variant occurrences in the general population are insufficient to allow any conclusion about variant significance. To our knowledge, no occurrence of c.3050C>G in individuals affected with HIVEP2-related conditions and no experimental evidence demonstrating its impact on protein function have been reported. ClinVar contains an entry for this variant (Variation ID: 1299589). Based on the evidence outlined above, the variant was classified as uncertain significance.

Laboratory of Medical Genetics, National & Kapodistrian University of Athens
Classification: Uncertain significance for Intellectual developmental disorder, autosomal dominant 43. Last evaluated: 2021-10-06. Review status: criteria provided, single submitter. Criteria: ACMG Guidelines, 2015. Collection method: clinical testing. Allele origin: maternal. Affected: yes.
Comment: PM2, PP3, BP1

Revvity Omics, Revvity
Classification: Uncertain significance for Intellectual developmental disorder, autosomal dominant 43. Last evaluated: 2020-09-25. Review status: criteria provided, single submitter. Criteria: ACMG Guidelines, 2015. Collection method: clinical testing. Allele origin: germline.